The following is an entry in ClinVar:

ClinVar aggregate classification (germline): Uncertain significance (1 of 4 stars; one submission).

Conditions:
Glycogen storage disease IXd (GSD9D). Also called: GSD IXd; Muscle Phosphorylase Kinase Deficiency. Identifiers: Orphanet 715, MedGen C1845151, MONDO:0010362, OMIM 300559.

gnomAD v4.1: 2 of 1,209,274 alleles (0.00017%); highest among the groups gnomAD compares: East Asian, 0.003%; no homozygotes.

Submission:

Labcorp Genetics (formerly Invitae), Labcorp
Classification: Uncertain significance for Glycogen storage disease IXd. Last evaluated: 2024-10-11. Review status: criteria provided, single submitter. Criteria: Invitae Variant Classification Sherloc (09022015). Collection method: clinical testing. Allele origin: germline.
Comment: This sequence change replaces asparagine, which is neutral and polar, with serine, which is neutral and polar, at codon 309 of the PHKA1 protein (p.Asn309Ser). This variant is not present in population databases (gnomAD no frequency). This variant has not been reported in the literature in individuals affected with PHKA1-related conditions. Invitae Evidence Modeling of protein sequence and biophysical properties (such as structural, functional, and spatial information, amino acid conservation, physicochemical variation, residue mobility, and thermodynamic stability) indicates that this missense variant is not expected to disrupt PHKA1 protein function with a negative predictive value of 80%. In summary, the available evidence is currently insufficient to determine the role of this variant in disease. Therefore, it has been classified as a Variant of Uncertain Significance.

NM_002637.4(PHKA1):c.926A>G (p.Asn309Ser)

Gene: PHKA1 (phosphorylase kinase regulatory subunit alpha 1; minus strand). Cytogenetic location: Xq13.1.
Variant type: single nucleotide variant.
Coding change: c.926A>G on transcript NM_002637.4 (MANE Select); coding-DNA position 926, A replaced by G.
Protein change: p.Asn309Ser; replaces asparagine 309 with serine.
Molecular consequence: missense variant.
Genome position (GRCh38, 1-based): chrX:72,656,235, T>C on the plus strand (A>G on the coding strand, the complement: PHKA1 is on the minus strand). VCF-style: chrX-72656235-T-C. GRCh37 (hg19) VCF-style: chrX-71876085-T-C.
Other names: c.926A>G, p.Asn309Ser (NM_001122670.2, NM_001172436.2, NM_001431068.1); short protein forms N309S.
Identifiers: ClinVar variation 3698760 (VCV003698760.2).